The following is an entry in ClinVar:

ClinVar aggregate classification (germline): Pathogenic (1 of 4 stars; one submission).

Submission:

GeneDx
Classification: Pathogenic. Last evaluated: 2016-07-25. Review status: criteria provided, single submitter. Criteria: GeneDx Variant Classification (06012015). Collection method: clinical testing. Allele origin: germline. Affected: yes.
Comment: The S941X pathogenic variant in the TRPS1 gene has not been reported previously as a pathogenic variant nor as a benign variant, to our knowledge. This variant is predicted to cause loss of normal protein function through protein truncation where the last 354 amino acids are lost. The S941X variant was not observed in approximately 6200 individuals of European and African American ancestry in the NHLBI Exome Sequencing Project, indicating it is not a common benign variant in these populations. We interpret S941X as a pathogenic variant.

NM_014112.5(TRPS1):c.2822C>A (p.Ser941Ter)

Gene: TRPS1 (transcriptional repressor GATA binding 1; minus strand). Cytogenetic location: 8q23.3.
Variant type: single nucleotide variant.
Coding change: c.2822C>A on transcript NM_014112.5 (MANE Select); coding-DNA position 2822, C replaced by A.
Protein change: p.Ser941Ter; replaces serine 941 with a stop codon.
Molecular consequence: nonsense.
Genome position (GRCh38, 1-based): chr8:115,418,331, G>T on the plus strand (C>A on the coding strand, the complement: TRPS1 is on the minus strand). VCF-style: chr8-115418331-G-T. GRCh37 (hg19) VCF-style: chr8-116430559-G-T.
Other names: c.2795C>A, p.Ser932Ter (NM_001282902.3); c.2801C>A, p.Ser934Ter (NM_001282903.3); c.2783C>A, p.Ser928Ter (NM_001330599.2); short protein forms S941*, S932*, S928*, S934*.
Identifiers: ClinVar variation 280747 (VCV000280747.2), dbSNP rs748664291, ClinGen allele CA10603082.
Genomic context (GRCh38, chr8:115,418,331, plus strand): 5'-CAGACCAGGCCAACACTGCTTTATAAAGCTTTTCCTGAAAGAGTGGAACAAGTTCTTACC[G>T]AGTGAAGCTTCTGGTAGAGGCCACACGCGTTGCATACATATCCGCCATTTGCATTCTTTC-3'